The following is an entry in ClinVar:

NM_000498.3(CYP11B2):c.1002del (p.Asp335fs)

Genes: CYP11B2 (cytochrome P450 family 11 subfamily B member 2; minus strand), LOC106799834 (CYP11B2 recombination region; plus strand). Cytogenetic location: 8q24.3.
Variant type: Deletion.
Coding change: c.1002del on transcript NM_000498.3 (MANE Select); coding-DNA position 1002, one base deleted (C; older notation c.1002delC).
Protein change: p.Asp335fs; shifts the reading frame from aspartic acid 335.
Molecular consequence: frameshift variant.
Genome position (GRCh38, 1-based): chr8:142,913,404, G deleted on the plus strand (C on the coding strand, the reverse complement: CYP11B2 is on the minus strand); the first of 4 consecutive G bases (chr8:142,913,404-142,913,407); deleting any one gives the same sequence. VCF-style (leftmost placement, unchanged base first): chr8-142913403-CG-C. GRCh37 (hg19) VCF-style: chr8-143994819-CG-C.
Other names: short protein forms D335fs.
Identifiers: ClinVar variation 2999450 (VCV002999450.4), dbSNP rs2488699111, ClinGen allele CA2740095387.
Genomic context (GRCh38, chr8:142,913,403, plus strand): 5'-GATGTTCACTGATGCTGGCTGCGGCGGCCAGGCTCTCCTGGCGCAGGATCTGCTGCACGT[CG>C]GGGTTCCGAGCCAGCTCAAAGAGCGTCATCAGCAAGGGAAACGCTGTCTACAGAAGCCAT-3'

ClinVar aggregate classification (germline): Pathogenic/Likely pathogenic. Review status: criteria provided, multiple submitters, no conflicts (2 of 4 stars). 2 submissions from 2 submitters: Pathogenic (1); Likely pathogenic (1). Last evaluated 2024-05-18.

Conditions:
Corticosterone 18-monooxygenase deficiency. Also called: ALDOSTERONE DEFICIENCY DUE TO DEFECT IN STEROID 18-HYDROXYLASE; ALDOSTERONE DEFICIENCY I; CMO I DEFICIENCY; STEROID 18-HYDROXYLASE DEFICIENCY; 18 Hydroxylase deficiency; Aldosterone deficiency due to defect in 18 hydroxylase. Identifiers: Orphanet 427, MedGen C0268293, MONDO:0008751, OMIM 203400. Disease mechanism: loss of function.
Corticosterone methyloxidase type 2 deficiency. Also called: 18-OXIDASE DEFICIENCY; ALDOSTERONE DEFICIENCY DUE TO DEFICIENCY OF STEROID 18-OXIDASE; ALDOSTERONE DEFICIENCY II; CMO II DEFICIENCY; STEROID 18-OXIDASE DEFICIENCY. Identifiers: Orphanet 427, MedGen C3463917, MONDO:0012524, OMIM 610600. Disease mechanism: loss of function.

Submissions (2):

Fulgent Genetics
Classification: Likely pathogenic for Corticosterone 18-monooxygenase deficiency; Corticosterone methyloxidase type 2 deficiency. Last evaluated: 2024-05-18. Review status: criteria provided, single submitter. Criteria: ACMG Guidelines, 2015. Collection method: clinical testing. Allele origin: germline.

Labcorp Genetics (formerly Invitae), Labcorp
Classification: Pathogenic. Last evaluated: 2023-07-13. Review status: criteria provided, single submitter. Criteria: Invitae Variant Classification Sherloc (09022015). Collection method: clinical testing. Allele origin: germline.
Comment: This sequence change creates a premature translational stop signal (p.Asp335Thrfs*52) in the CYP11B2 gene. It is expected to result in an absent or disrupted protein product. Loss-of-function variants in CYP11B2 are known to be pathogenic (PMID: 20494601, 22801770, 26936515). For these reasons, this variant has been classified as Pathogenic. This variant has not been reported in the literature in individuals affected with CYP11B2-related conditions. This variant is not present in population databases (gnomAD no frequency).

Literature cited by the submitters: PubMed 20494601 (cited by Labcorp Genetics (formerly Invitae), Labcorp); PubMed 22801770 (cited by Labcorp Genetics (formerly Invitae), Labcorp); PubMed 26936515 (cited by Labcorp Genetics (formerly Invitae), Labcorp).